The following is an entry in ClinVar:

NM_003107.3(SOX4):c.15C>G (p.Thr5=)

Gene: SOX4 (SRY-box transcription factor 4; plus strand). Cytogenetic location: 6p22.3.
Variant type: single nucleotide variant.
Coding change: c.15C>G on transcript NM_003107.3 (MANE Select); coding-DNA position 15, C replaced by G.
Protein change: p.Thr5=; no amino-acid change (threonine 5 retained).
Molecular consequence: synonymous variant.
Genome position (GRCh38, 1-based): chr6:21,594,549, C>G. VCF-style: chr6-21594549-C-G. GRCh37 (hg19) VCF-style: chr6-21594780-C-G.
Identifiers: ClinVar variation 2656265 (VCV002656265.24), dbSNP rs777317963, ClinGen allele CA3653529.

ClinVar aggregate classification (germline): Likely benign (1 of 4 stars; one submission).

Allele frequency attached by ClinVar (database versions not stated): TOPMed 0.00007; gnomAD 0.00009; ExAC 0.00017.
gnomAD v4.1: 192 of 1,601,906 alleles (0.012%); highest among the groups gnomAD compares: Non-Finnish European, 0.015%; no homozygotes.

Submission:

CeGaT Center for Human Genetics Tuebingen
Classification: Likely benign. Last evaluated: 2022-07-01. Review status: criteria provided, single submitter. Criteria: CeGaT Center For Human Genetics Tuebingen Variant Classification Criteria Version 2. Collection method: clinical testing. Allele origin: germline. Affected: yes. Observed: 1 variant allele.
Comment: SOX4: BP4, BP7